The following is an entry in ClinVar:

ClinVar aggregate classification (germline): Conflicting classifications of pathogenicity. Review status: no assertion criteria provided (0 of 4 stars). 2 submissions from 2 submitters: Uncertain significance (1); Likely benign (1). Last evaluated 2020-09-28.

Conditions:
Mendelian syndromes with cleft lip/palate. Also called: Orofacial clefting syndrome. Identifiers: Orphanet 139039, MedGen C5680616, MONDO:0015335.
TBX10-related disorder. Also called: TBX10-related condition.

Allele frequency attached by ClinVar (database versions not stated): 1000 Genomes Project 0.00160; 1000 Genomes Project 30x 0.00172; gnomAD 0.00288; ESP Exome Variant Server 0.00300; TOPMed 0.00301.

Submissions (2):

PreventionGenetics, part of Exact Sciences
Classification: Likely benign for TBX10-related condition. Last evaluated: 2020-09-28. Review status: no assertion criteria provided. Collection method: clinical testing. Allele origin: germline.
Comment: This variant is classified as likely benign based on ACMG/AMP sequence variant interpretation guidelines (Richards et al. 2015 PMID: 25741868, with internal and published modifications).

Faculty of Pharmacy, University of Ljubljana
Classification: Uncertain significance for Mendelian syndromes with cleft lip/palate. Review status: no assertion criteria provided. Collection method: research. Allele origin: germline. Inheritance: Autosomal unknown. Affected: yes. Observed: 6 variant alleles, 6 heterozygotes. Clinical features observed: unilateral cleft lip and palate, cleft palate.

Literature cited by the submitters: PubMed 36901693 (cited by Faculty of Pharmacy, University of Ljubljana).

NM_005995.5(TBX10):c.331T>A (p.Tyr111Asn)

Gene: TBX10 (T-box transcription factor 10; minus strand). Cytogenetic location: 11q13.2.
Variant type: single nucleotide variant.
Coding change: c.331T>A on transcript NM_005995.5 (MANE Select); coding-DNA position 331, T replaced by A.
Protein change: p.Tyr111Asn; replaces tyrosine 111 with asparagine.
Molecular consequence: missense variant.
Genome position (GRCh38, 1-based): chr11:67,634,862, A>T on the plus strand (T>A on the coding strand, the complement: TBX10 is on the minus strand). VCF-style: chr11-67634862-A-T. GRCh37 (hg19) VCF-style: chr11-67402333-A-T.
Other names: c.331T>A (NM_005995.4); short protein forms Y111N.
Identifiers: ClinVar variation 2572977 (VCV002572977.3), dbSNP rs117056541, ClinGen allele CA6144043.